The following is an entry in ClinVar:

ClinVar aggregate classification (germline): Conflicting classifications of pathogenicity. Review status: criteria provided, conflicting classifications (1 of 4 stars). 2 submissions from 2 submitters: Likely pathogenic (1); Uncertain significance (1). Last evaluated 2025-10-21.

Conditions:
Differences in sex development.
3-Oxo-5 alpha-steroid delta 4-dehydrogenase deficiency (PPSH). Also called: PSEUDOVAGINAL PERINEOSCROTAL HYPOSPADIAS; 46,XY disorder of sex development due to 5-alpha-reductase 2 deficiency; MALE PSEUDOHERMAPHRODITISM DUE TO 5-ALPHA-REDUCTASE DEFICIENCY; FAMILIAL INCOMPLETE MALE PSEUDOHERMAPHRODITISM, TYPE 2. Identifiers: Orphanet 753, MedGen C0268297, MONDO:0009923, OMIM 264600. Disease mechanism: loss of function.

gnomAD v4.1: 2 of 1,613,916 alleles (0.00012%); highest among the groups gnomAD compares: South Asian, 0.0011%; no homozygotes.

Submissions (2):

NHS Central & South Genomic Laboratory Hub
Classification: Likely pathogenic for Differences in sex development. Last evaluated: 2025-10-21. Review status: criteria provided, single submitter. Criteria: ACMG Guidelines, 2015. Collection method: clinical testing. Allele origin: germline. Affected: yes.

Labcorp Genetics (formerly Invitae), Labcorp
Classification: Uncertain significance for 3-Oxo-5 alpha-steroid delta 4-dehydrogenase deficiency. Last evaluated: 2023-12-13. Review status: criteria provided, single submitter. Criteria: Invitae Variant Classification Sherloc (09022015). Collection method: clinical testing. Allele origin: germline.
Comment: This sequence change replaces alanine, which is neutral and non-polar, with aspartic acid, which is acidic and polar, at codon 205 of the SRD5A2 protein (p.Ala205Asp). This variant is present in population databases (no rsID available, gnomAD 0.003%). This missense change has been observed in individual(s) with SRD5A2-related conditions (Invitae). In at least one individual the data is consistent with being in trans (on the opposite chromosome) from a pathogenic variant. Advanced modeling of protein sequence and biophysical properties (such as structural, functional, and spatial information, amino acid conservation, physicochemical variation, residue mobility, and thermodynamic stability) performed at Invitae indicates that this missense variant is expected to disrupt SRD5A2 protein function with a positive predictive value of 80%. In summary, the available evidence is currently insufficient to determine the role of this variant in disease. Therefore, it has been classified as a Variant of Uncertain Significance.

NM_000348.4(SRD5A2):c.614C>A (p.Ala205Asp)

Gene: SRD5A2 (steroid 5 alpha-reductase 2; minus strand). Cytogenetic location: 2p23.1.
Variant type: single nucleotide variant.
Coding change: c.614C>A on transcript NM_000348.4 (MANE Select); coding-DNA position 614, C replaced by A.
Protein change: p.Ala205Asp; replaces alanine 205 with aspartic acid.
Molecular consequence: missense variant.
Genome position (GRCh38, 1-based): chr2:31,529,391, G>T on the plus strand (C>A on the coding strand, the complement: SRD5A2 is on the minus strand). VCF-style: chr2-31529391-G-T. GRCh37 (hg19) VCF-style: chr2-31754461-G-T.
Other names: short protein forms A205D.
Identifiers: ClinVar variation 2695600 (VCV002695600.4), dbSNP rs973116318, ClinGen allele CA346598006.